The following is an entry in ClinVar:

ClinVar aggregate classification (germline): Likely benign (1 of 4 stars; one submission).

Conditions:
SEMA3E-related disorder. Also called: SEMA3E-related condition.

Submission:

PreventionGenetics, part of Exact Sciences
Classification: Likely benign for SEMA3E-related condition. Last evaluated: 2026-02-06. Review status: criteria provided, single submitter. Criteria: ACMG Guidelines, 2015. Collection method: clinical testing. Allele origin: germline.
Comment: This variant is classified as likely benign based on ACMG/AMP sequence variant interpretation guidelines (Richards et al. 2015 PMID: 25741868, with internal and published modifications).

NM_012431.3(SEMA3E):c.814-5C>T

Gene: SEMA3E (semaphorin 3E; minus strand). Cytogenetic location: 7q21.11.
Variant type: single nucleotide variant.
Coding change: c.814-5C>T on transcript NM_012431.3 (MANE Select); 5 bases into the intron before coding-DNA position 814, C replaced by T.
Molecular consequence: intron variant.
Genome position (GRCh38, 1-based): chr7:83,406,064, G>A on the plus strand (C>T on the coding strand, the complement: SEMA3E is on the minus strand). VCF-style: chr7-83406064-G-A. GRCh37 (hg19) VCF-style: chr7-83035380-G-A.
Other names: c.634-5C>T (NM_001178129.2).
Identifiers: ClinVar variation 4991159 (VCV004991159.1).
Genomic context (GRCh38, chr7:83,406,064, plus strand): 5'-GCTTTTAGGAAAGTGCTCCACTTATTCACCAGTATTCTCTGCCCTCCTACATCATTCTGT[G>A]AAAACCAAAAAGGAGGTAAATAGTTACCTAAAGAATTTCGACCAACCACAGATTTCATAT-3'